The following is an entry in ClinVar:

ClinVar aggregate classification (germline): Uncertain significance (1 of 4 stars; one submission).

Submission:

Labcorp Genetics (formerly Invitae), Labcorp
Classification: Uncertain significance. Last evaluated: 2024-07-08. Review status: criteria provided, single submitter. Criteria: Invitae Variant Classification Sherloc (09022015). Collection method: clinical testing. Allele origin: germline.
Comment: This sequence change affects a donor splice site in intron 11 of the CFB gene. It is expected to disrupt RNA splicing. Variants that disrupt the donor or acceptor splice site typically lead to a loss of protein function (PMID: 16199547), however the current clinical and genetic evidence is not sufficient to establish whether loss-of-function variants in CFB cause disease. This variant is present in population databases (no rsID available, gnomAD 0.003%). This variant has not been reported in the literature in individuals affected with CFB-related conditions. Algorithms developed to predict the effect of sequence changes on RNA splicing suggest that this variant may disrupt the consensus splice site. In summary, the available evidence is currently insufficient to determine the role of this variant in disease. Therefore, it has been classified as a Variant of Uncertain Significance.

Literature cited by the submitters: PubMed 16199547.

NM_001710.6(CFB):c.1506+1G>T

Gene: CFB (complement factor B; plus strand). Cytogenetic location: 6p21.33.
Variant type: single nucleotide variant.
Coding change: c.1506+1G>T on transcript NM_001710.6 (MANE Select); the canonical splice donor site of the intron after coding-DNA position 1506, G replaced by T.
Molecular consequence: splice donor variant.
Genome position (GRCh38, 1-based): chr6:31,950,148, G>T. VCF-style: chr6-31950148-G-T. GRCh37 (hg19) VCF-style: chr6-31917925-G-T.
Identifiers: ClinVar variation 3654280 (VCV003654280.2).